The following is an entry in ClinVar:

NM_001139.3(ALOX12B):c.1798C>T (p.Arg600Trp)

Gene: ALOX12B (arachidonate 12-lipoxygenase, 12R type; minus strand). Cytogenetic location: 17p13.1.
Variant type: single nucleotide variant.
Coding change: c.1798C>T on transcript NM_001139.3 (MANE Select); coding-DNA position 1798, C replaced by T.
Protein change: p.Arg600Trp; replaces arginine 600 with tryptophan.
Molecular consequence: missense variant.
Genome position (GRCh38, 1-based): chr17:8,073,276, G>A on the plus strand (C>T on the coding strand, the complement: ALOX12B is on the minus strand). VCF-style: chr17-8073276-G-A. GRCh37 (hg19) VCF-style: chr17-7976594-G-A.
Other names: short protein forms R600W.
Identifiers: ClinVar variation 3383156 (VCV003383156.2).
Genomic context (GRCh38, chr17:8,073,276, plus strand): 5'-GCAACGTGTCCATGAAGGTCTCCAGAGTGGTCAGCCCCTTAGTCTGAATCGGTGGATTCC[G>A]CATGGACGCTGGGAAGTTGGGCATCCAGGCGGTGAACTCCATCTGGAGGTGGGATAGAGG-3'
Protein context (NP_001130.1, residues 590-610): AWMPNFPASM[Arg600Trp]NPPIQTKGLT

ClinVar aggregate classification (germline): Uncertain significance (1 of 4 stars; one submission).

Conditions:
Autosomal recessive congenital ichthyosis 2 (ARCI2). Identifiers: Orphanet 281122, Orphanet 79394, MedGen C3888093, MONDO:0009439, OMIM 242100.

gnomAD v4.1: 1 of 1,614,186 alleles (0.000062%); highest among the groups gnomAD compares: Non-Finnish European, 0.000085%; no homozygotes.

Submission:

Juno Genomics, Hangzhou Juno Genomics, Inc
Classification: Uncertain significance for Autosomal recessive congenital ichthyosis 2. Review status: criteria provided, single submitter. Criteria: ACMG Guidelines, 2015. Collection method: clinical testing. Allele origin: germline. Affected: yes.
Comment: Absent from controls (or at extremely low frequency if recessive) in Genome Aggregation Database, Exome Sequencing Project, 1000 Genomes Project, or Exome Aggregation Consortium.;For recessive disorders, detected in trans with a pathogenic variant.;Co-segregation with disease in multiple affected family members in a gene definitively known to cause the disease.